The following is an entry in ClinVar:

ClinVar aggregate classification (germline): Uncertain significance (1 of 4 stars; one submission).

Submission:

GeneDx
Classification: Uncertain significance. Last evaluated: 2025-06-20. Review status: criteria provided, single submitter. Criteria: GeneDx Variant Classification Process June 2021. Collection method: clinical testing. Allele origin: germline. Affected: yes.
Comment: Not observed at significant frequency in large population cohorts (gnomAD); In silico analysis suggests that this missense variant does not alter protein structure/function; Has not been previously published as pathogenic or benign to our knowledge

NM_003458.4(BSN):c.4214G>T (p.Gly1405Val)

Gene: BSN (bassoon presynaptic cytomatrix protein; plus strand). Cytogenetic location: 3p21.31.
Variant type: single nucleotide variant.
Coding change: c.4214G>T on transcript NM_003458.4 (MANE Select); coding-DNA position 4214, G replaced by T.
Protein change: p.Gly1405Val; replaces glycine 1405 with valine.
Molecular consequence: missense variant.
Genome position (GRCh38, 1-based): chr3:49,653,770, G>T. VCF-style: chr3-49653770-G-T. GRCh37 (hg19) VCF-style: chr3-49691203-G-T.
Other names: short protein forms G1405V.
Identifiers: ClinVar variation 4538728 (VCV004538728.1).